The following is an entry in ClinVar:

NM_033026.6(PCLO):c.3724A>G (p.Thr1242Ala)

Gene: PCLO (piccolo presynaptic cytomatrix protein; minus strand). Cytogenetic location: 7q21.11.
Variant type: single nucleotide variant.
Coding change: c.3724A>G on transcript NM_033026.6 (MANE Select); coding-DNA position 3724, A replaced by G.
Protein change: p.Thr1242Ala; replaces threonine 1242 with alanine.
Molecular consequence: missense variant.
Genome position (GRCh38, 1-based): chr7:82,966,064, T>C on the plus strand (A>G on the coding strand, the complement: PCLO is on the minus strand). VCF-style: chr7-82966064-T-C. GRCh37 (hg19) VCF-style: chr7-82595380-T-C.
Other names: c.3724A>G, p.Thr1242Ala (NM_014510.3); short protein forms T1242A.
Identifiers: ClinVar variation 2088533 (VCV002088533.4), dbSNP rs1795763104, ClinGen allele CA367932341.

ClinVar aggregate classification (germline): Uncertain significance (1 of 4 stars; one submission).

Allele frequency attached by ClinVar (database versions not stated): TOPMed 0.00001.

Submission:

Labcorp Genetics (formerly Invitae), Labcorp
Classification: Uncertain significance. Last evaluated: 2022-07-06. Review status: criteria provided, single submitter. Criteria: Invitae Variant Classification Sherloc (09022015). Collection method: clinical testing. Allele origin: germline.
Comment: This variant is not present in population databases (gnomAD no frequency). This sequence change replaces threonine, which is neutral and polar, with alanine, which is neutral and non-polar, at codon 1242 of the PCLO protein (p.Thr1242Ala). This variant has not been reported in the literature in individuals affected with PCLO-related conditions. Algorithms developed to predict the effect of missense changes on protein structure and function output the following: SIFT: "Tolerated"; PolyPhen-2: "Not Available"; Align-GVGD: "Class C0". The alanine amino acid residue is found in multiple mammalian species, which suggests that this missense change does not adversely affect protein function. In summary, the available evidence is currently insufficient to determine the role of this variant in disease. Therefore, it has been classified as a Variant of Uncertain Significance.